The following is an entry in ClinVar:

ClinVar aggregate classification (germline): Uncertain significance (1 of 4 stars; one submission).

Allele frequency attached by ClinVar (database versions not stated): TOPMed below 0.00001.

Submission:

Women's Health and Genetics/Laboratory Corporation of America, LabCorp
Classification: Uncertain significance. Last evaluated: 2024-01-18. Review status: criteria provided, single submitter. Criteria: LabCorp Variant Classification Summary - May 2015. Collection method: clinical testing. Allele origin: germline.
Comment: Variant summary: MTSS2 c.2018G>C (p.Ser673Thr) results in a conservative amino acid change in the encoded protein sequence. Three of five in-silico tools predict a benign effect of the variant on protein function. The variant allele was found at a frequency of 1.3e-05 in 150720 control chromosomes. The available data on variant occurrences in the general population are insufficient to allow any conclusion about variant significance. To our knowledge, no occurrence of c.2018G>C in individuals affected with Intellectual Developmental Disorder With Ocular Anomalies And Distinctive Facial Features and no experimental evidence demonstrating its impact on protein function have been reported. No submitters have cited clinical-significance assessments for this variant to ClinVar. Based on the evidence outlined above, the variant was classified as uncertain significance.

NM_138383.3(MTSS2):c.2018G>C (p.Ser673Thr)

Gene: MTSS2 (MTSS I-BAR domain containing 2; minus strand). Cytogenetic location: 16q22.1.
Variant type: single nucleotide variant.
Coding change: c.2018G>C on transcript NM_138383.3 (MANE Select); coding-DNA position 2018, G replaced by C.
Protein change: p.Ser673Thr; replaces serine 673 with threonine.
Molecular consequence: missense variant.
Genome position (GRCh38, 1-based): chr16:70,663,903, C>G on the plus strand (G>C on the coding strand, the complement: MTSS2 is on the minus strand). VCF-style: chr16-70663903-C-G. GRCh37 (hg19) VCF-style: chr16-70697806-C-G.
Other names: short protein forms S673T.
Identifiers: ClinVar variation 3063978 (VCV003063978.1), dbSNP rs754571603, ClinGen allele CA396595989.